The following is an entry in ClinVar:

NM_001845.6(COL4A1):c.3059-7T>C

Gene: COL4A1 (collagen type IV alpha 1 chain; minus strand). Cytogenetic location: 13q34.
Variant type: single nucleotide variant.
Coding change: c.3059-7T>C on transcript NM_001845.6 (MANE Select); 7 bases into the intron before coding-DNA position 3059, T replaced by C.
Molecular consequence: intron variant.
Genome position (GRCh38, 1-based): chr13:110,175,364, A>G on the plus strand (T>C on the coding strand, the complement: COL4A1 is on the minus strand). VCF-style: chr13-110175364-A-G. GRCh37 (hg19) VCF-style: chr13-110827711-A-G.
Other names: c.3059-7T>C (NM_001845.5).
Identifiers: ClinVar variation 2912947 (VCV002912947.5), dbSNP rs758094807, ClinGen allele CA7047387.

ClinVar aggregate classification (germline): Likely benign. Review status: criteria provided, single submitter (1 of 4 stars). 2 submissions from 2 submitters: Likely benign (1). 1 of the submissions does not count toward it. Last evaluated 2024-01-09.

Conditions:
COL4A1-related disorder. Also called: COL4A1-related condition; COL4A1-related disorders. Identifiers: MedGen CN376119, MONDO:0800461.

Allele frequency attached by ClinVar (database versions not stated): gnomAD exomes below 0.00001; ExAC 0.00001; gnomAD 0.00001; TOPMed 0.00001.
gnomAD v4.1: 3 of 1,614,034 alleles (0.00019%); highest among the groups gnomAD compares: East Asian, 0.0067%; no homozygotes.

Submissions (2):

Labcorp Genetics (formerly Invitae), Labcorp
Classification: Likely benign. Last evaluated: 2024-01-09. Review status: criteria provided, single submitter. Criteria: Invitae Variant Classification Sherloc (09022015). Collection method: clinical testing. Allele origin: germline.

PreventionGenetics, part of Exact Sciences
Classification: Likely benign for COL4A1-related condition. Last evaluated: 2023-12-01. Review status: no assertion criteria provided. Collection method: clinical testing. Allele origin: germline. Not counted in ClinVar's aggregate classification.
Comment: This variant is classified as likely benign based on ACMG/AMP sequence variant interpretation guidelines (Richards et al. 2015 PMID: 25741868, with internal and published modifications).